The following is an entry in ClinVar:

NM_001110556.2(FLNA):c.7841A>G (p.Tyr2614Cys)

Genes: FLNA (filamin A; minus strand), LOC107988032 (Xq28 proximal FLNA-EMD recombination region; plus strand). Cytogenetic location: Xq28.
Variant type: single nucleotide variant.
Coding change: c.7841A>G on transcript NM_001110556.2 (MANE Select); coding-DNA position 7841, A replaced by G.
Protein change: p.Tyr2614Cys; replaces tyrosine 2614 with cysteine.
Molecular consequence: missense variant.
Genome position (GRCh38, 1-based): chrX:154,348,952, T>C on the plus strand (A>G on the coding strand, the complement: FLNA is on the minus strand). VCF-style: chrX-154348952-T-C. GRCh37 (hg19) VCF-style: chrX-153577320-T-C.
Other names: c.7817A>G, p.Tyr2606Cys (NM_001456.4); short protein forms Y2606C, Y2614C.
Identifiers: ClinVar variation 3279178 (VCV003279178.1).

ClinVar aggregate classification (germline): Uncertain significance (1 of 4 stars; one submission).

Conditions:
Familial thoracic aortic aneurysm and aortic dissection (TAAD). Also called: Thoracic aortic aneurysms and dissections. Identifiers: Orphanet 91387, MedGen C4707243, MONDO:0019625.

Submission:

Ambry Genetics
Classification: Uncertain significance for Familial thoracic aortic aneurysm and aortic dissection. Last evaluated: 2024-05-06. Review status: criteria provided, single submitter. Criteria: Ambry Variant Classification Scheme 2023. Collection method: clinical testing. Allele origin: germline.
Comment: The p.Y2606C variant (also known as c.7817A>G), located in coding exon 46 of the FLNA gene, results from an A to G substitution at nucleotide position 7817. The tyrosine at codon 2606 is replaced by cysteine, an amino acid with highly dissimilar properties. This amino acid position is highly conserved in available vertebrate species. In addition, this alteration is predicted to be deleterious by in silico analysis. Based on the available evidence, the clinical significance of this variant remains unclear.